The following is an entry in ClinVar:

NM_007294.4(BRCA1):c.1204del (p.Glu402fs)

Gene: BRCA1 (BRCA1 DNA repair associated; minus strand). Cytogenetic location: 17q21.31.
Variant type: Deletion.
Coding change: c.1204del on transcript NM_007294.4 (MANE Select); coding-DNA position 1204, one base deleted (G; older notation c.1204delG).
Protein change: p.Glu402fs; shifts the reading frame from glutamic acid 402.
Molecular consequence: frameshift variant. On other transcripts: intron variant (137).
Genome position (GRCh38, 1-based): chr17:43,094,327, C deleted on the plus strand (G on the coding strand, the reverse complement: BRCA1 is on the minus strand); the first of 4 consecutive C bases (chr17:43,094,327-43,094,330); deleting any one gives the same sequence. VCF-style (leftmost placement, unchanged base first): chr17-43094326-TC-T. GRCh37 (hg19) VCF-style: chr17-41246343-TC-T.
Other names: 1323delG; p.Glu402Serfs*8; c.1204delG (NM_007294.3); c.1060del, p.Glu354fs (NM_001407839.1, NM_001407841.1, NM_001407842.1 and 20 more transcripts); c.1063del, p.Glu355fs (NM_001407850.1, NM_001407851.1, NM_001407852.1 and 29 more transcripts); c.991del, p.Glu331fs (NM_001407853.1, NM_001407894.1, NM_001407895.1 and 9 more transcripts); c.1204del, p.Glu402fs (NM_001407854.1, NM_001407858.1, NM_001407859.1 and 30 more transcripts); c.1201del, p.Glu401fs (NM_001407860.1, NM_001407861.1, NM_001407587.1 and 22 more transcripts); and 43 more; short protein forms E355fs, E402fs, E106fs, E290fs, E332fs, E354fs, E313fs, E335fs.
Identifiers: ClinVar variation 54162 (VCV000054162.26), dbSNP rs80357859, ClinGen allele CA000793.

ClinVar aggregate classification (germline): Pathogenic. Review status: reviewed by expert panel (3 of 4 stars). 15 submissions from 15 submitters: Pathogenic (1). 14 of the submissions do not count toward it. Last evaluated 2016-09-08.

Conditions:
Hereditary cancer-predisposing syndrome. Also called: Tumor predisposition; Neoplastic Syndromes, Hereditary; Hereditary Cancer Syndrome; Hereditary neoplastic syndrome. Identifiers: Orphanet 140162, MedGen C0027672, MeSH D009386, MONDO:0015356.
Familial cancer of breast. Also called: Hereditary breast cancer; hereditary breast carcinoma; BREAST CANCER, FAMILIAL. Identifiers: Orphanet 227535, MedGen C0346153, MONDO:0016419, OMIM 114480. Disease mechanism: loss of function.
Breast-ovarian cancer, familial, susceptibility to, 1 (BROVCA1). Also called: OVARIAN CANCER, SUSCEPTIBILITY TO; BRCA1 Hereditary Breast and Ovarian Cancer. Identifiers: Orphanet 145, MedGen C2676676, MONDO:0011450, OMIM 604370. Disease mechanism: loss of function.
Pancreatic cancer, susceptibility to, 4. Identifiers: Orphanet 1333, MedGen C3280442, MONDO:0013685, OMIM 614320.
Fanconi anemia, complementation group S (FANCS). Identifiers: MedGen C4554406, MONDO:0054748, OMIM 617883.
Hereditary breast ovarian cancer syndrome. Also called: Hereditary breast and ovarian cancer syndrome (HBOC); Hereditary breast and ovarian cancer syndrome; Hereditary breast and ovarian cancer; Hereditary breast and/or ovarian cancer syndrome; Breast and ovarian cancer; BRCA1- and BRCA2-Associated Hereditary Breast and Ovarian Cancer. Identifiers: Orphanet 145, MedGen C0677776, MeSH D061325, MONDO:0003582. Disease mechanism: loss of function.

Submissions (15):

Evidence-based Network for the Interpretation of Germline Mutant Alleles (ENIGMA)
Classification: Pathogenic for Breast-ovarian cancer, familial, susceptibility to, 1. Last evaluated: 2016-09-08. Review status: reviewed by expert panel. Criteria: ENIGMA BRCA1/2 Classification Criteria (2015). Collection method: curation. Allele origin: germline.
Comment: Variant allele predicted to encode a truncated non-functional protein.

Mayo Clinic Laboratories, Mayo Clinic
Classification: Pathogenic. Last evaluated: 2023-11-21. Review status: criteria provided, single submitter. Criteria: ACMG Guidelines, 2015. Collection method: clinical testing. Allele origin: germline. Not counted in ClinVar's aggregate classification.
Comment: PM2, PM5_strong, PVS1

GeneDx
Classification: Pathogenic. Last evaluated: 2023-11-13. Review status: criteria provided, single submitter. Criteria: GeneDx Variant Classification Process June 2021. Collection method: clinical testing. Allele origin: germline. Affected: yes. Not counted in ClinVar's aggregate classification.
Comment: Frameshift variant predicted to result in protein truncation or nonsense mediated decay in a gene for which loss-of-function is a known mechanism of disease; Observed in individuals with a personal or family history consistent with pathogenic variants in this gene (PMID: 18489799, 7611277); Not observed at significant frequency in large population cohorts (gnomAD); Truncating variants in this gene are considered pathogenic by a well-established clinical consortium and/or database; Also known as 1323delG; This variant is associated with the following publications: (PMID: 7611277, 18489799, 27533253, 29446198, 26207792, 35912641)

Fulgent Genetics
Classification: Pathogenic for Familial cancer of breast; Breast-ovarian cancer, familial, susceptibility to, 1; Pancreatic cancer, susceptibility to, 4; Fanconi anemia, complementation group S. Last evaluated: 2021-12-01. Review status: criteria provided, single submitter. Criteria: ACMG Guidelines, 2015. Collection method: clinical testing. Allele origin: unknown. Not counted in ClinVar's aggregate classification.

Ambry Genetics
Classification: Pathogenic for Hereditary cancer-predisposing syndrome. Last evaluated: 2021-11-26. Review status: criteria provided, single submitter. Criteria: Ambry Variant Classification Scheme 2023. Collection method: clinical testing. Allele origin: germline. Not counted in ClinVar's aggregate classification.
Comment: The c.1204delG pathogenic mutation, located in coding exon 9 of the BRCA1 gene, results from a deletion of one nucleotide at nucleotide position 1204, causing a translational frameshift with a predicted alternate stop codon (p.E402Sfs*8). This alteration has been reported in multiple families with hereditary breast and ovarian cancer (Machackova E et al. BMC Cancer, 2008 May;8:140; Struewing JP et al. Am. J. Hum. Genet., 1995 Jul;57:1-7). This alteration was also identified in a large, worldwide study of BRCA1/2 mutation positive families (Rebbeck TR et al. Hum Mutat, 2018 05;39:593-620). This variant is considered to be rare based on population cohorts in the Genome Aggregation Database (gnomAD). In addition to the clinical data presented in the literature, this alteration is expected to result in loss of function by premature protein truncation or nonsense-mediated mRNA decay. As such, this alteration is interpreted as a disease-causing mutation.

Women's Health and Genetics/Laboratory Corporation of America, LabCorp
Classification: Pathogenic for Hereditary breast ovarian cancer syndrome. Last evaluated: 2021-04-02. Review status: criteria provided, single submitter. Criteria: LabCorp Variant Classification Summary - May 2015. Collection method: clinical testing. Allele origin: germline. Not counted in ClinVar's aggregate classification.
Comment: Variant summary: BRCA1 c.1204delG (p.Glu402SerfsX8) results in a premature termination codon, predicted to cause a truncation of the encoded protein or absence of the protein due to nonsense mediated decay, which are commonly known mechanisms for disease. Truncations downstream of this position have been classified as pathogenic by our laboratory. The variant was absent in 250852 control chromosomes. c.1204delG has been reported in the literature in individuals affected with Hereditary Breast And Ovarian Cancer Syndrome (example, Rebbeck_2018). To our knowledge, no experimental evidence demonstrating an impact on protein function has been reported. Five clinical diagnostic laboratories and one expert panel (ENIGMA) have submitted clinical-significance assessments for this variant to ClinVar after 2014 without evidence for independent evaluation. All submitters classified the variant as pathogenic. Based on the evidence outlined above, the variant was classified as pathogenic.

Genetic Services Laboratory, University of Chicago
Classification: Pathogenic. Last evaluated: 2017-12-11. Review status: criteria provided, single submitter. Criteria: ACMG Guidelines, 2015. Collection method: clinical testing. Allele origin: germline. Affected: yes. Not counted in ClinVar's aggregate classification.

Eurofins Ntd Llc (ga)
Classification: Pathogenic. Last evaluated: 2017-12-05. Review status: criteria provided, single submitter. Criteria: EGL Classification Definitions 2015. Collection method: clinical testing. Allele origin: germline. Observed: 1 variant allele, 1 heterozygote. Not counted in ClinVar's aggregate classification.

Consortium of Investigators of Modifiers of BRCA1/2 (CIMBA), c/o University of Cambridge
Classification: Pathogenic for Breast-ovarian cancer, familial, susceptibility to, 1. Last evaluated: 2015-10-02. Review status: criteria provided, single submitter. Criteria: CIMBA Mutation Classification guidelines May 2016. Collection method: clinical testing. Allele origin: germline. Not counted in ClinVar's aggregate classification.

Counsyl
Classification: Pathogenic for Breast-ovarian cancer, familial, susceptibility to, 1. Last evaluated: 2017-11-27. Review status: no assertion criteria provided. Collection method: clinical testing. Allele origin: unknown. Not counted in ClinVar's aggregate classification.

Labcorp Genetics (formerly Invitae), Labcorp
Classification: Pathogenic for BRCA1 and BRCA2 Hereditary Breast and Ovarian Cancer. Last evaluated: 2014-11-06. Review status: no assertion criteria provided. Collection method: clinical testing. Allele origin: germline. Not counted in ClinVar's aggregate classification.

Breast Cancer Information Core (BIC) (BRCA1)
Classification: Pathogenic for Breast-ovarian cancer, familial 1. Last evaluated: 1997-04-02. Review status: no assertion criteria provided. Collection method: clinical testing. Allele origin: germline. Affected: yes. Observed: 1 variant allele. Not counted in ClinVar's aggregate classification.

Clinical Genetics Laboratory, Department of Pathology, Netherlands Cancer Institute
Classification: Pathogenic. Review status: no assertion criteria provided. Collection method: clinical testing. Allele origin: germline. Affected: yes. Study: VKGL Data-share Consensus. Not counted in ClinVar's aggregate classification.

Department of Pathology and Laboratory Medicine, Sinai Health System
Classification: Pathogenic. Review status: no assertion criteria provided. Collection method: clinical testing. Allele origin: unknown. Affected: yes. Study: The Canadian Open Genetics Repository (COGR). Not counted in ClinVar's aggregate classification.
Comment: The BRCA1 p.Glu402Serfs*8 variant was identified in 7 of 2116 proband chromosomes (frequency: 0.0033) from individuals or families with hereditary breast and ovarian cancer (Enyedi 2016, Machackova 2008, Struewing 1995). The variant was also identified in dbSNP (ID: rs80357859) as â€šÃ„ÃºWith Pathogenic alleleâ€šÃ„Ã¹, ClinVar (as pathogenic by 9 submitters, reviewed by expert panel), LOVD 3.0 (3x as pathogenic). The variant was not identified in UMD-LSDB. The variant was not identified in the following control databases: the Exome Aggregation Consortium (August 8th 2016), or the Genome Aggregation Database (Feb 27, 2017). The p.Glu402Serfs*8 variant is predicted to cause a frameshift, which alters the protein's amino acid sequence beginning at codon 402 and leads to a premature stop codon at position 409. This alteration is then predicted to result in a truncated or absent protein and loss of function. Loss of function variants of the BRCA1 gene are an established mechanism of disease in hereditary breast and ovarian cancer and is the type of variant expected to cause the disorder. In summary, based on the above information this variant meets our laboratoryâ€šÃ„Ã´s criteria to be classified as pathogenic.

Laboratory of Diagnostic Genome Analysis, Leiden University Medical Center (LUMC)
Classification: Pathogenic. Review status: no assertion criteria provided. Collection method: clinical testing. Allele origin: germline. Affected: yes. Study: VKGL Data-share Consensus. Not counted in ClinVar's aggregate classification.

Literature cited by the submitters: PubMed 18489799 (cited by 4 submitters); PubMed 29446198 (cited by 3 submitters); PubMed 7611277 (cited by 4 submitters); PubMed 26207792 (cited by Women's Health and Genetics/Laboratory Corporation of America, LabCorp).